The following is an entry in ClinVar:

ClinVar aggregate classification (germline): Conflicting classifications of pathogenicity. Review status: criteria provided, conflicting classifications (1 of 4 stars). 2 submissions from 1 submitter: Uncertain significance (1); Benign (1). Last evaluated 2018-01-12.

Conditions:
3-Methylglutaconic aciduria type 3 (MGCA3). Also called: OPA3, AUTOSOMAL RECESSIVE; OPTIC ATROPHY 3, AUTOSOMAL RECESSIVE; Costeff Syndrome; OPA3-Related 3-Methylglutaconic Aciduria. Identifiers: Orphanet 67047, MedGen C0574084, MONDO:0009787, OMIM 258501.
Optic atrophy 3 (OPA3). Also called: OPTIC ATROPHY 3, AUTOSOMAL DOMINANT; Optic atrophy, cataract, and neurologic disorder; Optic atrophy 3 with cataract. Identifiers: Orphanet 67036, MedGen C1833809, MONDO:0008133, OMIM 165300.

Allele frequency attached by ClinVar (database versions not stated): gnomAD exomes 0.00023; gnomAD 0.00086 and 0.00088; TOPMed 0.00091; 1000 Genomes Project 0.00160; 1000 Genomes Project 30x 0.00172.
gnomAD v4.1: 292 of 875,380 alleles (0.033%); highest among the groups gnomAD compares: African/African-American, 0.28%; no homozygotes.

Submissions (2):

Illumina Laboratory Services, Illumina
Classification: Benign for Optic atrophy 3. Last evaluated: 2018-01-12. Review status: criteria provided, single submitter. Criteria: ICSL Variant Classification Criteria 13 December 2019. Collection method: clinical testing. Allele origin: germline.
Comment: This variant was observed in the ICSL laboratory as part of a predisposition screen in an ostensibly healthy population. It had not been previously curated by ICSL or reported in the Human Gene Mutation Database (HGMD: prior to June 1st, 2018), and was therefore a candidate for classification through an automated scoring system. Utilizing variant allele frequency, disease prevalence and penetrance estimates, and inheritance mode, an automated score was calculated to assess if this variant is too frequent to cause the disease. Based on the score and internal cut-off values, a variant classified as benign is not then subjected to further curation. The score for this variant resulted in a classification of benign for this disease.

Illumina Laboratory Services, Illumina
Classification: Uncertain significance for 3-Methylglutaconic aciduria type 3. Last evaluated: 2018-01-12. Review status: criteria provided, single submitter. Criteria: ICSL Variant Classification Criteria 13 December 2019. Collection method: clinical testing. Allele origin: germline.

NM_025136.4(OPA3):c.*1238G>A

Genes: OPA3-RTN2 (OPA3-RTN2 readthrough; minus strand), OPA3 (outer mitochondrial membrane lipid metabolism regulator OPA3; minus strand). Cytogenetic location: 19q13.32.
Variant type: single nucleotide variant.
Coding change: c.*1238G>A on transcript NM_025136.4 (MANE Select); 1238 bases downstream of the stop codon, G replaced by A.
Molecular consequence: 3 prime UTR variant. On other transcripts: intron variant (1).
Genome position (GRCh38, 1-based): chr19:45,552,276, C>T on the plus strand (G>A on the coding strand, the complement: OPA3 is on the minus strand). VCF-style: chr19-45552276-C-T. GRCh37 (hg19) VCF-style: chr19-46055534-C-T.
Other names: c.143-22820G>A (NM_001017989.3).
Identifiers: ClinVar variation 329659 (VCV000329659.5), dbSNP rs187216413, ClinGen allele CA10652594.